The following is an entry in ClinVar:

NM_001363.5(DKC1):c.1054A>G (p.Thr352Ala)

Gene: DKC1 (dyskerin pseudouridine synthase 1; plus strand). Cytogenetic location: Xq28.
Variant type: single nucleotide variant.
Coding change: c.1054A>G on transcript NM_001363.5 (MANE Select); coding-DNA position 1054, A replaced by G.
Protein change: p.Thr352Ala; replaces threonine 352 with alanine.
Molecular consequence: missense variant. On other transcripts: non-coding transcript variant (3).
Genome position (GRCh38, 1-based): chrX:154,773,148, A>G. VCF-style: chrX-154773148-A-G. GRCh37 (hg19) VCF-style: chrX-154001423-A-G.
Other names: c.1054A>G, p.Thr352Ala (NM_001142463.3, NM_001288747.2); short protein forms T352A.
Identifiers: ClinVar variation 427887 (VCV000427887.4), dbSNP rs1114167422, ClinGen allele CA414895026.

ClinVar aggregate classification (germline): Likely pathogenic (0 of 4 stars; one submission).

Conditions:
Dyskeratosis congenita, X-linked (DKCX). Also called: Zinsser-Cole-Engman Syndrome. Identifiers: MedGen C1148551, MONDO:0010584, OMIM 305000.

Submission:

Human Genetics Unit, University Of Colombo
Classification: Likely pathogenic for Dyskeratosis congenita, X-linked. Review status: no assertion criteria provided. Collection method: clinical testing. Allele origin: germline. Inheritance: X-linked recessive inheritance. Affected: yes.